The following is an entry in ClinVar:

ClinVar aggregate classification (germline): Uncertain significance (1 of 4 stars; one submission).

Conditions:
Primary dilated cardiomyopathy (DCM). Also called: Dilated Cardiomyopathy. Identifiers: Orphanet 217604, MedGen C0007193, MeSH D002311, MONDO:0005021, HP:0001644. Inheritance: Various modes of inheritance.

gnomAD v4.1: 107 of 1,613,110 alleles (0.0066%); highest among the groups gnomAD compares: Non-Finnish European, 0.0086%; no homozygotes.

Submission:

Labcorp Genetics (formerly Invitae), Labcorp
Classification: Uncertain significance for Primary dilated cardiomyopathy. Last evaluated: 2025-04-06. Review status: criteria provided, single submitter. Criteria: Invitae Variant Classification Sherloc (09022015). Collection method: clinical testing. Allele origin: germline.
Comment: This sequence change replaces arginine, which is basic and polar, with leucine, which is neutral and non-polar, at codon 113 of the FHL2 protein (p.Arg113Leu). This variant is present in population databases (rs752531815, gnomAD 0.003%). This variant has not been reported in the literature in individuals affected with FHL2-related conditions. ClinVar contains an entry for this variant (Variation ID: 2723106). Invitae Evidence Modeling of protein sequence and biophysical properties (such as structural, functional, and spatial information, amino acid conservation, physicochemical variation, residue mobility, and thermodynamic stability) indicates that this missense variant is not expected to disrupt FHL2 protein function with a negative predictive value of 80%. In summary, the available evidence is currently insufficient to determine the role of this variant in disease. Therefore, it has been classified as a Variant of Uncertain Significance.

NM_001318895.3(FHL2):c.338G>T (p.Arg113Leu)

Genes: C2orf49 (chromosome 2 open reading frame 49; plus strand), FHL2 (four and a half LIM domains 2; minus strand). Cytogenetic location: 2q12.2.
Variant type: single nucleotide variant.
Coding change: c.338G>T on transcript NM_001318895.3 (MANE Select); coding-DNA position 338, G replaced by T.
Protein change: p.Arg113Leu; replaces arginine 113 with leucine.
Molecular consequence: missense variant. On other transcripts: 5 prime UTR variant (2).
Genome position (GRCh38, 1-based): chr2:105,367,733, C>A on the plus strand (G>T on the coding strand, the complement: FHL2 is on the minus strand). VCF-style: chr2-105367733-C-A. GRCh37 (hg19) VCF-style: chr2-105984190-C-A.
Other names: c.338G>T, p.Arg113Leu (NM_001039492.3, NM_001318894.1, NM_001318896.2 and 4 more transcripts); c.-5G>T (NM_001318897.2, NM_001318898.2); c.14G>T, p.Arg5Leu (NM_001318899.2); short protein forms R113L, R5L.
Identifiers: ClinVar variation 2723106 (VCV002723106.3), dbSNP rs752531815, ClinGen allele CA1814750.
Genomic context (GRCh38, chr2:105,367,733, plus strand): 5'-TGGCAGCGGTGGCAGATGAAGCAGGTCTCATGCCAGCTGCTGCCCTTGTACTCCATCTTG[C>A]GGGTACCTGTCATCAGGGTCAAGAGGAACACAGCAGAGTTATGGTTAGAGGGGTGTGGAG-3'
Protein context (NP_001305824.1, residues 103-123): ECKKTIMPGT[Arg113Leu]KMEYKGSSWH